The following is an entry in ClinVar:

ClinVar aggregate classification (germline): Likely pathogenic (1 of 4 stars; one submission).

Conditions:
ACCES syndrome (ACCES). Also called: APLASIA CUTIS CONGENITA WITH ECTRODACTYLY SKELETAL SYNDROME. Identifiers: MedGen C5677019, MONDO:0859262, OMIM 619959.

Submission:

3billion
Classification: Likely pathogenic for ACCES syndrome. Last evaluated: 2025-05-10. Review status: criteria provided, single submitter. Criteria: ACMG Guidelines, 2015. Collection method: clinical testing. Allele origin: germline. Affected: yes.
Comment: The variant is not observed in the gnomAD v4.1.0 dataset. Predicted Consequence/Location: Stop-gained (nonsense): predicted to result in a loss or disruption of normal protein function through nonsense-mediated decay (NMD) or protein truncation. Multiple pathogenic variants are reported downstream of the variant. Therefore, this variant is classified as Likely pathogenic according to the recommendation of ACMG/AMP guideline.

NM_005499.3(UBA2):c.769A>T (p.Lys257Ter)

Gene: UBA2 (ubiquitin like modifier activating enzyme 2; plus strand). Cytogenetic location: 19q13.11.
Variant type: single nucleotide variant.
Coding change: c.769A>T on transcript NM_005499.3 (MANE Select); coding-DNA position 769, A replaced by T.
Protein change: p.Lys257Ter; replaces lysine 257 with a stop codon.
Molecular consequence: nonsense.
Genome position (GRCh38, 1-based): chr19:34,445,119, A>T. VCF-style: chr19-34445119-A-T. GRCh37 (hg19) VCF-style: chr19-34936024-A-T.
Other names: c.481A>T, p.Lys161Ter (NM_001411139.1); short protein forms K161*, K257*.
Identifiers: ClinVar variation 4856218 (VCV004856218.1).
Genomic context (GRCh38, chr19:34,445,119, plus strand): 5'-CGTATTTCTACTAAGGAATGGGCTAAATCAACTGGATATGATCCAGTTAAACTTTTTACC[A>T]AGGTTAGATTTACTTTTTTTATAATCATGGATAGATGTATTGTTGTGCATAGATGTATTG-3'